The following is an entry in ClinVar:

ClinVar aggregate classification (germline): Uncertain significance (1 of 4 stars; one submission).

Allele frequency attached by ClinVar (database versions not stated): gnomAD exomes below 0.00001 and 0.00001; gnomAD 0.00001; ExAC 0.00002; 1000 Genomes Project 30x 0.00016; 1000 Genomes Project 0.00020.

Submission:

Labcorp Genetics (formerly Invitae), Labcorp
Classification: Uncertain significance. Last evaluated: 2021-11-02. Review status: criteria provided, single submitter. Criteria: Invitae Variant Classification Sherloc (09022015). Collection method: clinical testing. Allele origin: germline.
Comment: This sequence change replaces isoleucine, which is neutral and non-polar, with valine, which is neutral and non-polar, at codon 601 of the MUT protein (p.Ile601Val). This variant is present in population databases (rs201888226, gnomAD 0.006%). This variant has not been reported in the literature in individuals affected with MUT-related conditions. Algorithms developed to predict the effect of missense changes on protein structure and function output the following: SIFT: "Tolerated"; PolyPhen-2: "Benign"; Align-GVGD: "Class C0". The valine amino acid residue is found in multiple mammalian species, which suggests that this missense change does not adversely affect protein function. In summary, the available evidence is currently insufficient to determine the role of this variant in disease. Therefore, it has been classified as a Variant of Uncertain Significance.

NM_000255.4(MMUT):c.1801A>G (p.Ile601Val)

Gene: MMUT (methylmalonyl-CoA mutase; minus strand). Cytogenetic location: 6p12.3.
Variant type: single nucleotide variant.
Coding change: c.1801A>G on transcript NM_000255.4 (MANE Select); coding-DNA position 1801, A replaced by G.
Protein change: p.Ile601Val; replaces isoleucine 601 with valine.
Molecular consequence: missense variant.
Genome position (GRCh38, 1-based): chr6:49,441,847, T>C on the plus strand (A>G on the coding strand, the complement: MMUT is on the minus strand). VCF-style: chr6-49441847-T-C. GRCh37 (hg19) VCF-style: chr6-49409560-T-C.
Other names: short protein forms I601V.
Identifiers: ClinVar variation 1430217 (VCV001430217.4), dbSNP rs201888226, ClinGen allele CA3846746.
Genomic context (GRCh38, chr6:49,441,847, plus strand): 5'-GATTGTGCTAACAGAAAAGATGAAATTCTGGCCTAAGAAACCTTACATATTACCTCTTGA[T>C]AGCAGATGTTATCTCTTTACTTTCTCCAAATTCCTGGCGATATGCTCCACTCACCATTCG-3'
Protein context (NP_000246.2, residues 591-611): FGESKEITSA[Ile601Val]KRVHKFMERE